The following is an entry in ClinVar:

ClinVar aggregate classification (germline): Uncertain significance (1 of 4 stars; one submission).

Conditions:
Hereditary cancer-predisposing syndrome. Also called: Neoplastic Syndromes, Hereditary; Hereditary Cancer Syndrome; Hereditary neoplastic syndrome; Tumor predisposition. Identifiers: Orphanet 140162, MedGen C0027672, MeSH D009386, MONDO:0015356.

Allele frequency attached by ClinVar (database versions not stated): gnomAD exomes below 0.00001; ExAC 0.00001.
gnomAD v4.1: 1 of 1,551,724 alleles (0.000064%); highest among the groups gnomAD compares: Non-Finnish European, 0.000089%; no homozygotes.

Submission:

Ambry Genetics
Classification: Uncertain significance for Hereditary cancer-predisposing syndrome. Last evaluated: 2025-05-22. Review status: criteria provided, single submitter. Criteria: Ambry Variant Classification Scheme 2023. Collection method: clinical testing. Allele origin: germline.
Comment: The c.156+4G>T intronic variant results from a G to T substitution 4 nucleotides after coding exon 3 in the SMARCE1 gene. This nucleotide position is well conserved in available vertebrate species. In silico splice site analysis predicts that this alteration will not have any significant effect on splicing. This variant was detected as heterozygous in individual(s) with no reported features of Coffin-Siris syndrome (Ambry internal data). Based on the supporting evidence, the association of this alteration with an increased risk of meningiomas is unknown; however, the association of this alteration with an increased risk Coffin-Siris syndrome is unlikely.

NM_003079.5(SMARCE1):c.156+4G>T

Gene: SMARCE1 (SWI/SNF related BAF chromatin remodeling complex subunit E1; minus strand). Cytogenetic location: 17q21.2.
Variant type: single nucleotide variant.
Coding change: c.156+4G>T on transcript NM_003079.5 (MANE Select); 4 bases into the intron after coding-DNA position 156, G replaced by T.
Molecular consequence: intron variant.
Genome position (GRCh38, 1-based): chr17:40,642,451, C>A on the plus strand (G>T on the coding strand, the complement: SMARCE1 is on the minus strand). VCF-style: chr17-40642451-C-A. GRCh37 (hg19) VCF-style: chr17-38798703-C-A.
Identifiers: ClinVar variation 2561863 (VCV002561863.3), dbSNP rs769677960, ClinGen allele CA8545319.